The following is an entry in ClinVar:

NM_002519.3(NPAT):c.4048A>G (p.Thr1350Ala)

Gene: NPAT (nuclear protein, coactivator of histone transcription; minus strand). Cytogenetic location: 11q22.3.
Variant type: single nucleotide variant.
Coding change: c.4048A>G on transcript NM_002519.3 (MANE Select); coding-DNA position 4048, A replaced by G.
Protein change: p.Thr1350Ala; replaces threonine 1350 with alanine.
Molecular consequence: missense variant.
Genome position (GRCh38, 1-based): chr11:108,161,038, T>C on the plus strand (A>G on the coding strand, the complement: NPAT is on the minus strand). VCF-style: chr11-108161038-T-C. GRCh37 (hg19) VCF-style: chr11-108031765-T-C.
Other names: c.4069A>G, p.Thr1357Ala (NM_001321307.1); short protein forms T1350A, T1357A.
Identifiers: ClinVar variation 3222613 (VCV003222613.1), dbSNP rs754964526, ClinGen allele CA382509484.

ClinVar aggregate classification (germline): Uncertain significance (1 of 4 stars; one submission).

gnomAD v4.1: 1 of 1,614,046 alleles (0.000062%); highest among the groups gnomAD compares: Non-Finnish European, 0.000085%; no homozygotes.

Submission:

Ambry Genetics
Classification: Uncertain significance. Last evaluated: 2024-03-06. Review status: criteria provided, single submitter. Criteria: Ambry Variant Classification Scheme 2023. Collection method: clinical testing. Allele origin: germline.
Comment: The p.T1350A variant (also known as c.4048A>G), located in coding exon 17 of the NPAT gene, results from an A to G substitution at nucleotide position 4048. The threonine at codon 1350 is replaced by alanine, an amino acid with similar properties. This amino acid position is conserved. In addition, this alteration is predicted to be tolerated by in silico analysis. Based on the available evidence, the clinical significance of this alteration remains unclear.